The following is an entry in ClinVar:

NM_020338.4(ZMIZ1):c.752G>A (p.Gly251Glu)

Gene: ZMIZ1 (zinc finger MIZ-type containing 1; plus strand). Cytogenetic location: 10q22.3.
Variant type: single nucleotide variant.
Coding change: c.752G>A on transcript NM_020338.4 (MANE Select); coding-DNA position 752, G replaced by A.
Protein change: p.Gly251Glu; replaces glycine 251 with glutamic acid.
Molecular consequence: missense variant.
Genome position (GRCh38, 1-based): chr10:79,291,170, G>A. VCF-style: chr10-79291170-G-A. GRCh37 (hg19) VCF-style: chr10-81050927-G-A.
Other names: short protein forms G251E.
Identifiers: ClinVar variation 1717745 (VCV001717745.5), dbSNP rs2493822234, ClinGen allele CA377332721.

ClinVar aggregate classification (germline): Uncertain significance (1 of 4 stars; one submission).

Submission:

Labcorp Genetics (formerly Invitae), Labcorp
Classification: Uncertain significance. Last evaluated: 2022-09-30. Review status: criteria provided, single submitter. Criteria: Invitae Variant Classification Sherloc (09022015). Collection method: clinical testing. Allele origin: germline.
Comment: This sequence change replaces glycine, which is neutral and non-polar, with glutamic acid, which is acidic and polar, at codon 251 of the ZMIZ1 protein (p.Gly251Glu). This variant is not present in population databases (gnomAD no frequency). This variant has not been reported in the literature in individuals affected with ZMIZ1-related conditions. Advanced modeling of protein sequence and biophysical properties (such as structural, functional, and spatial information, amino acid conservation, physicochemical variation, residue mobility, and thermodynamic stability) performed at Invitae indicates that this missense variant is expected to disrupt ZMIZ1 protein function. In summary, the available evidence is currently insufficient to determine the role of this variant in disease. Therefore, it has been classified as a Variant of Uncertain Significance.